The following is an entry in ClinVar:

ClinVar aggregate classification (germline): Pathogenic/Likely pathogenic. Review status: criteria provided, multiple submitters, no conflicts (2 of 4 stars). 9 submissions from 9 submitters: Pathogenic (7); Likely pathogenic (1). 1 of the submissions does not count toward it. Last evaluated 2026-10-07.

Conditions:
Glycogen storage disease XV (GSD15). Also called: GLYCOGENIN DEFICIENCY; GSD XV. Identifiers: Orphanet 263297, MedGen C3150754, MONDO:0013291, OMIM 613507.
Polyglucosan body myopathy type 2. Identifiers: Orphanet 456369, MedGen C4015452, MONDO:0014526, OMIM 616199.

Allele frequency attached by ClinVar (database versions not stated): 1000 Genomes Project 30x 0.00016; gnomAD 0.00016; TOPMed 0.00018; 1000 Genomes Project 0.00020; ESP Exome Variant Server 0.00046.
gnomAD v4.1: 551 of 1,613,998 alleles (0.034%); highest among the groups gnomAD compares: Non-Finnish European, 0.045%; no homozygotes.

Submissions (10):

GeneDx
Classification: Pathogenic. Last evaluated: 2026-10-07. Review status: criteria provided, single submitter. Criteria: GeneDx Variant Classification Process June 2021. Collection method: clinical testing. Allele origin: germline.
Comment: Published functional studies demonstrate that c.143+3 G>C results in abnormal splicing, leading to skipping of exon 2 (PMID: 25272951); In silico analysis suggests this variant may impact gene splicing. In the absence of RNA/functional studies, the actual effect of this sequence change is unknown.; This variant is associated with the following publications: (PMID: 27663060, 25272951, 27066558, 26652229, 26203156, 28256728, 29264399, 34426522, 31589614, 32905144)

Labcorp Genetics (formerly Invitae), Labcorp
Classification: Pathogenic for Polyglucosan body myopathy type 2; Glycogen storage disease XV. Last evaluated: 2025-10-29. Review status: criteria provided, single submitter. Criteria: Invitae Variant Classification Sherloc (09022015). Collection method: clinical testing. Allele origin: germline.
Comment: This sequence change falls in intron 2 of the GYG1 gene. It does not directly change the encoded amino acid sequence of the GYG1 protein. RNA analysis indicates that this variant induces altered splicing and may result in an absent or altered protein product. This variant is present in population databases (rs370652040, gnomAD 0.04%). This variant has been observed in individuals with polyglucosan body myopathy (PMID: 25272951, 26652229, 29264399). It has also been observed to segregate with disease in related individuals. ClinVar contains an entry for this variant (Variation ID: 162661). Variants that disrupt the consensus splice site are a relatively common cause of aberrant splicing (PMID: 17576681, 9536098). Studies have shown that this variant results in skipping of exon 2, and produces a non-functional protein and/or introduces a premature termination codon (PMID: 25272951). For these reasons, this variant has been classified as Pathogenic.

Women's Health and Genetics/Laboratory Corporation of America, LabCorp
Classification: Pathogenic for Polyglucosan body myopathy type 2. Last evaluated: 2025-09-08. Review status: criteria provided, single submitter. Criteria: LabCorp Variant Classification Summary - May 2015. Collection method: clinical testing. Allele origin: germline.
Comment: Variant summary: GYG1 c.143+3G>C alters a conserved nucleotide located close to a canonical splice site and therefore could affect mRNA splicing, leading to a significantly altered protein sequence. Several computational tools predict a significant impact on normal splicing: Three predict the variant weakens a 5' donor site. At least one publication reports experimental evidence that this variant affects mRNA splicing (Malfatti_2014). The variant allele was found at a frequency of 0.0002 in 251254 control chromosomes (gnomAD). This frequency is not significantly higher than estimated for disease-causing variants in GYG1, allowing no conclusion about variant significance. c.143+3G>C has been observed in multiple individuals affected with clinical features of Polyglucosan Body Myopathy Type 2 (Malfatti_2014, Akman_2016). These data indicate that the variant is very likely to be associated with disease. The following publications have been ascertained in the context of this evaluation (PMID: 26652229, 25272951). ClinVar contains an entry for this variant (Variation ID: 162661). Based on the evidence outlined above, the variant was classified as pathogenic.

Dasa
Classification: Pathogenic. Last evaluated: 2024-12-05. Review status: criteria provided, single submitter. Criteria: DASA Assertion Criteria. Collection method: clinical testing. Allele origin: germline.
Comment: NM_004130.4(GYG1):c.143+3G>C is a splice-region variant predicted to affect normal RNA splicing. This variant has been observed in affected individuals with related phenotype in a genotype context consistent with recessive disease. Multiple computational predictions support a deleterious effect on the gene or gene product. The variant is present at low frequency in population datasets. Based on the available data, this variant is classified as pathogenic.

Revvity Omics, Revvity
Classification: Pathogenic. Last evaluated: 2024-11-22. Review status: criteria provided, single submitter. Criteria: ACMG Guidelines, 2015. Collection method: clinical testing. Allele origin: germline.

Broad Center for Mendelian Genomics, Broad Institute of MIT and Harvard
Classification: Likely pathogenic for Polyglucosan body myopathy type 2. Last evaluated: 2023-05-02. Review status: criteria provided, single submitter. Criteria: ACMG Guidelines, 2015. Collection method: curation. Allele origin: germline. Inheritance: Autosomal recessive inheritance.
Comment: The c.143+3G>C variant has been previously reported in 16 unrelated individuals with polyglucosan body myopathy 2 (PMID: 25272951, PMID: 26652229, PMID: 29264399, PMID: 29205400, PMID: 27066558, PMID: 26203156) and segregated with disease in 3 affected relatives in one family (PMID: 29264399), but has been identified in 0.04% (50/128982) of European (non-Finnish) chromosomes by the by the Genome Aggregation Database (gnomAD; dbSNP ID: rs370652040). Although this variant has been seen in the general population in a heterozygous state, its frequency is not high enough to rule out a pathogenic role. This variant has also been reported in ClinVar (Variation ID: 162661) and has been interpreted as pathogenic by the NIH Undiagnosed Disease Network, Invitae, CeGaT Center for Human Genetics Tuebingen, GeneDx, OMIM, and PerkinElmer Genomics. RT-PCR analysis of RNA from patient skeletal muscle tissue shows skipping of exon 2 and frameshift beginning at position 3 and leading to a premature termination codon 4 amino acids downstream (PMID: 25272951). This variant is located in the 5' splice region. Computational tools do suggest an impact to splicing. However, this information is not predictive enough to determine pathogenicity. In summary, this variant meets criteria to be classified as pathogenic for autosomal recessive polyglucosan body myopathy 2. ACMG/AMP Criteria applied: PS3_Moderate, PM3_Strong, PP1 (Richards 2015).

CeGaT Center for Human Genetics Tuebingen
Classification: Pathogenic. Last evaluated: 2022-09-01. Review status: criteria provided, single submitter. Criteria: CeGaT Center For Human Genetics Tuebingen Variant Classification Criteria Version 2. Collection method: clinical testing. Allele origin: germline. Affected: yes. Observed: 1 variant allele.
Comment: GYG1: PP1:Strong, PM2, PM3, PS3:Moderate

Undiagnosed Diseases Network, NIH
Classification: Pathogenic for Glycogen storage disease XV. Last evaluated: 2019-09-17. Review status: criteria provided, single submitter. Criteria: ACMG Guidelines, 2015. Collection method: clinical testing. Allele origin: unknown. Inheritance: Autosomal recessive inheritance. Affected: yes. Observed: 1 variant allele, 1 compound heterozygote.

OMIM
Classification: Pathogenic for POLYGLUCOSAN BODY MYOPATHY 2. Last evaluated: 2014-12-01. Review status: no assertion criteria provided. Collection method: literature only. Allele origin: germline. Not counted in ClinVar's aggregate classification.

Dr. Peter K. Rogan Lab, Western University
No classification provided (evidence only). Condition: Clear cell carcinoma of kidney. Review status: no classification provided. Collection method: in vitro. Allele origin: not applicable. Functional consequence: skipped exon, retained intron. Not counted in ClinVar's aggregate classification.

Literature cited by the submitters: PubMed 25272951 (cited by 3 submitters); PubMed 26652229 (cited by Labcorp Genetics (formerly Invitae), Labcorp and Women's Health and Genetics/Laboratory Corporation of America, LabCorp); PubMed 29264399 (cited by Labcorp Genetics (formerly Invitae), Labcorp); PubMed 17576681 (cited by Labcorp Genetics (formerly Invitae), Labcorp); PubMed 9536098 (cited by Labcorp Genetics (formerly Invitae), Labcorp).

NM_004130.4(GYG1):c.143+3G>C

Gene: GYG1 (glycogenin 1; plus strand). Cytogenetic location: 3q24.
Variant type: single nucleotide variant.
Coding change: c.143+3G>C on transcript NM_004130.4 (MANE Select); 3 bases into the intron after coding-DNA position 143, G replaced by C.
Molecular consequence: intron variant.
Genome position (GRCh38, 1-based): chr3:148,994,280, G>C. VCF-style: chr3-148994280-G-C. GRCh37 (hg19) VCF-style: chr3-148712067-G-C.
Other names: IVS2DS, G-C, +3; c.143+3G>C (NM_001184720.2, NM_001184721.2).
Identifiers: ClinVar variation 162661 (VCV000162661.51), dbSNP rs370652040, ClinGen allele CA175125.